The following is an entry in ClinVar:

ClinVar aggregate classification (germline): Likely benign. Review status: reviewed by expert panel (3 of 4 stars). 2 submissions from 2 submitters: Likely benign (1). 1 of the submissions does not count toward it. Last evaluated 2025-02-18.

Conditions:
Glanzmann thrombasthenia. Also called: PLATELET GLYCOPROTEIN IIb-IIIa DEFICIENCY; Thrombasthenia; Glanzmann's thrombasthenia; BLEEDING DISORDER, PLATELET-TYPE, 2; THROMBASTHENIA OF GLANZMANN AND NAEGELI. Identifiers: Orphanet 849, MedGen C0040015, MONDO:0100326.

Allele frequency attached by ClinVar (database versions not stated): gnomAD 0.00001; TOPMed 0.00001.
gnomAD v4.1: 13 of 1,613,866 alleles (0.00081%); highest among the groups gnomAD compares: South Asian, 0.0022%; no homozygotes.

Submissions (2):

ClinGen Platelet Disorders Variant Curation Expert Panel, ClinGen
Classification: Likely benign for Glanzmann thrombasthenia. Last evaluated: 2025-02-18. Review status: reviewed by expert panel. Criteria: ClinGen Platelet ACMG Specifications v2-1. Collection method: curation. Allele origin: germline. Inheritance: Autosomal recessive inheritance.
Comment: The c.188+7C>T (NM_000419.5) variant in ITGA2B is an intronic variant which is in intron 1. The highest population minor allele frequency in gnomAD v2.1.1 is 0.00003268 (1/30600 alleles) in the South Asian population, which is lower than the ClinGen PD VCEP threshold (<0.0001; PM2_Supporting). The c.188+7C>T variant is an intronic variant that is not predicted by SpliceAI to impact splicing. In addition, it occurs at a nucleotide that is not conserved as shown by phyloP score of -0.008496 (BP4, BP7). In summary, this variant meets the criteria to be classified as likely benign for autosomal recessive Glanzmann Thrombasthenia based on the ACMG/AMP criteria applied, as specified by the ClinGen PD VCEP: PM2, BP4, BP7.

Illumina Laboratory Services, Illumina
Classification: Uncertain significance for Glanzmann thrombasthenia 1. Last evaluated: 2018-01-12. Review status: criteria provided, single submitter. Criteria: ICSL Variant Classification Criteria 13 December 2019. Collection method: clinical testing. Allele origin: germline. Not counted in ClinVar's aggregate classification.

NM_000419.5(ITGA2B):c.188+7C>T

Gene: ITGA2B (integrin subunit alpha 2b; minus strand). Cytogenetic location: 17q21.31.
Variant type: single nucleotide variant.
Coding change: c.188+7C>T on transcript NM_000419.5 (MANE Select); 7 bases into the intron after coding-DNA position 188, C replaced by T.
Molecular consequence: intron variant.
Genome position (GRCh38, 1-based): chr17:44,389,279, G>A on the plus strand (C>T on the coding strand, the complement: ITGA2B is on the minus strand). VCF-style: chr17-44389279-G-A. GRCh37 (hg19) VCF-style: chr17-42466647-G-A.
Other names: c.188+7C>T (LRG_479t1).
Identifiers: ClinVar variation 323574 (VCV000323574.7), dbSNP rs774338537, ClinGen allele CA8603526.